The following is an entry in ClinVar:

NM_001382430.1(AKT1):c.365C>T (p.Ser122Leu)

Gene: AKT1 (AKT serine/threonine kinase 1; minus strand). Cytogenetic location: 14q32.33.
Variant type: single nucleotide variant.
Coding change: c.365C>T on transcript NM_001382430.1 (MANE Select); coding-DNA position 365, C replaced by T.
Protein change: p.Ser122Leu; replaces serine 122 with leucine.
Molecular consequence: missense variant.
Genome position (GRCh38, 1-based): chr14:104,775,722, G>A on the plus strand (C>T on the coding strand, the complement: AKT1 is on the minus strand). VCF-style: chr14-104775722-G-A. GRCh37 (hg19) VCF-style: chr14-105242059-G-A.
Other names: c.365C>T, p.Ser122Leu (NM_001014431.2, NM_001014432.2, NM_001382431.1 and 3 more transcripts); short protein forms S122L.
Identifiers: ClinVar variation 838092 (VCV000838092.9), dbSNP rs746934495, ClinGen allele CA7374807.

ClinVar aggregate classification (germline): Uncertain significance (1 of 4 stars; one submission).

Conditions:
Cowden syndrome 6 (CWS6). Identifiers: Orphanet 201, MedGen C3554519, MONDO:0014048, OMIM 615109.

Allele frequency attached by ClinVar (database versions not stated): gnomAD exomes below 0.00001 and 0.00001; gnomAD 0.00001; ExAC 0.00002; TOPMed 0.00006.
gnomAD v4.1: 5 of 1,613,958 alleles (0.00031%); highest among the groups gnomAD compares: Admixed American, 0.0017%; no homozygotes.

Submission:

Labcorp Genetics (formerly Invitae), Labcorp
Classification: Uncertain significance for Cowden syndrome 6. Last evaluated: 2019-10-26. Review status: criteria provided, single submitter. Criteria: Invitae Variant Classification Sherloc (09022015). Collection method: clinical testing. Allele origin: germline.
Comment: In summary, the available evidence is currently insufficient to determine the role of this variant in disease. Therefore, it has been classified as a Variant of Uncertain Significance. Algorithms developed to predict the effect of missense changes on protein structure and function (SIFT, PolyPhen-2, Align-GVGD) all suggest that this variant is likely to be tolerated, but these predictions have not been confirmed by published functional studies and their clinical significance is uncertain. This variant has not been reported in the literature in individuals with AKT1-related conditions. This variant is present in population databases (rs746934495, ExAC 0.02%). This sequence change replaces serine with leucine at codon 122 of the AKT1 protein (p.Ser122Leu). The serine residue is moderately conserved and there is a large physicochemical difference between serine and leucine.